The following is an entry in ClinVar:

ClinVar aggregate classification (germline): Uncertain significance (1 of 4 stars; one submission).

gnomAD v4.1: 1 of 1,613,550 alleles (0.000062%); highest among the groups gnomAD compares: East Asian, 0.0022%; no homozygotes.

Submission:

GeneDx
Classification: Uncertain significance. Last evaluated: 2024-03-11. Review status: criteria provided, single submitter. Criteria: GeneDx Variant Classification Process June 2021. Collection method: clinical testing. Allele origin: germline. Affected: yes.
Comment: Not observed at significant frequency in large population cohorts (gnomAD); In silico analysis supports that this missense variant does not alter protein structure/function; Has not been previously published as pathogenic or benign to our knowledge

NM_001357.5(DHX9):c.2050C>G (p.Leu684Val)

Gene: DHX9 (DExH-box helicase 9; plus strand). Cytogenetic location: 1q25.3.
Variant type: single nucleotide variant.
Coding change: c.2050C>G on transcript NM_001357.5 (MANE Select); coding-DNA position 2050, C replaced by G.
Protein change: p.Leu684Val; replaces leucine 684 with valine.
Molecular consequence: missense variant. On other transcripts: non-coding transcript variant (1).
Genome position (GRCh38, 1-based): chr1:182,876,467, C>G. VCF-style: chr1-182876467-C-G. GRCh37 (hg19) VCF-style: chr1-182845602-C-G.
Other names: short protein forms L684V.
Identifiers: ClinVar variation 3370846 (VCV003370846.1).